The following is an entry in ClinVar:

ClinVar aggregate classification (germline): Conflicting classifications of pathogenicity. Review status: criteria provided, conflicting classifications (1 of 4 stars). 2 submissions from 2 submitters: Uncertain significance (1); Likely benign (1). Last evaluated 2023-12-08.

Allele frequency attached by ClinVar (database versions not stated): ExAC 0.00006; gnomAD exomes 0.00009 and 0.00016; TOPMed 0.00013; gnomAD 0.00015; 1000 Genomes Project 0.00020; ESP Exome Variant Server 0.00024; 1000 Genomes Project 30x 0.00031.
gnomAD v4.1: 265 of 1,613,050 alleles (0.016%); highest among the groups gnomAD compares: Non-Finnish European, 0.019%; no homozygotes.

Submissions (2):

Blueprint Genetics
Classification: Likely benign. Last evaluated: 2023-12-08. Review status: criteria provided, single submitter. Criteria: ACMG Guidelines, 2015. Collection method: clinical testing. Allele origin: germline.

Labcorp Genetics (formerly Invitae), Labcorp
Classification: Uncertain significance. Last evaluated: 2022-10-04. Review status: criteria provided, single submitter. Criteria: Invitae Variant Classification Sherloc (09022015). Collection method: clinical testing. Allele origin: germline.
Comment: This sequence change falls in intron 37 of the COL18A1 gene. It does not directly change the encoded amino acid sequence of the COL18A1 protein. It affects a nucleotide within the consensus splice site. This variant is present in population databases (rs376055144, gnomAD 0.02%). This variant has not been reported in the literature in individuals affected with COL18A1-related conditions. ClinVar contains an entry for this variant (Variation ID: 1354433). Variants that disrupt the consensus splice site are a relatively common cause of aberrant splicing (PMID: 17576681, 9536098). Experimental studies and prediction algorithms are not available or were not evaluated, and the effect of this variant on mRNA splicing is currently unknown. In summary, the available evidence is currently insufficient to determine the role of this variant in disease. Therefore, it has been classified as a Variant of Uncertain Significance.

Literature cited by the submitters: PubMed 17576681 (cited by Labcorp Genetics (formerly Invitae), Labcorp); PubMed 9536098 (cited by Labcorp Genetics (formerly Invitae), Labcorp).

NM_001379500.1(COL18A1):c.3216+6C>T

Genes: COL18A1 (collagen type XVIII alpha 1 chain; plus strand), SLC19A1 (solute carrier family 19 member 1; minus strand). Cytogenetic location: 21q22.3.
Variant type: single nucleotide variant.
Coding change: c.3216+6C>T on transcript NM_001379500.1 (MANE Select); 6 bases into the intron after coding-DNA position 3216, C replaced by T.
Molecular consequence: intron variant.
Genome position (GRCh38, 1-based): chr21:45,505,972, C>T. VCF-style: chr21-45505972-C-T. GRCh37 (hg19) VCF-style: chr21-46925886-C-T.
Other names: c.4461+6C>T (NM_130444.3); c.3756+6C>T (NM_030582.4).
Identifiers: ClinVar variation 1354433 (VCV001354433.4), dbSNP rs376055144, ClinGen allele CA10067755.
Genomic context (GRCh38, chr21:45,505,972, plus strand): 5'-GGCCGAGCAGGAGGAGCTCTACGTCCGCGTGCAGAACGGGTTCCGGAAGGTCCAGGTGAG[C>T]GCTCTGTGTGACGGGTTCTGGACCCGTGGAAGGGCCGAAGCCGCCTCCTGGGGCTTAAGG-3'